The following is an entry in ClinVar:

ClinVar aggregate classification (germline): Likely benign. Review status: criteria provided, single submitter (1 of 4 stars). 2 submissions from 2 submitters: Likely benign (1). 1 of the submissions does not count toward it. Last evaluated 2022-11-22.

Conditions:
TPP2-related disorder. Also called: TPP2-related condition.
Evans syndrome, immunodeficiency, and premature immunosenescence associated with tripeptidyl-peptidase II deficiency. Identifiers: MedGen CN231723. Disease mechanism: loss of function.

Allele frequency attached by ClinVar (database versions not stated): gnomAD exomes below 0.00001; TOPMed 0.00002; ExAC 0.00001.
gnomAD v4.1: 5 of 1,587,128 alleles (0.00032%); highest among the groups gnomAD compares: Non-Finnish European, 0.00034%; no homozygotes.

Submissions (2):

Labcorp Genetics (formerly Invitae), Labcorp
Classification: Likely benign for Evans syndrome, immunodeficiency, and premature immunosenescence associated with tripeptidyl-peptidase II deficiency. Last evaluated: 2022-11-22. Review status: criteria provided, single submitter. Criteria: Invitae Variant Classification Sherloc (09022015). Collection method: clinical testing. Allele origin: germline.

PreventionGenetics, part of Exact Sciences
Classification: Likely benign for TPP2-related condition. Last evaluated: 2019-12-20. Review status: no assertion criteria provided. Collection method: clinical testing. Allele origin: germline. Not counted in ClinVar's aggregate classification.
Comment: This variant is classified as likely benign based on ACMG/AMP sequence variant interpretation guidelines (Richards et al. 2015 PMID: 25741868, with internal and published modifications).

NM_001330588.2(TPP2):c.3580-7A>G

Gene: TPP2 (tripeptidyl peptidase 2; plus strand). Cytogenetic location: 13q33.1.
Variant type: single nucleotide variant.
Coding change: c.3580-7A>G on transcript NM_001330588.2 (MANE Select); 7 bases into the intron before coding-DNA position 3580, A replaced by G.
Molecular consequence: intron variant.
Genome position (GRCh38, 1-based): chr13:102,676,289, A>G. VCF-style: chr13-102676289-A-G. GRCh37 (hg19) VCF-style: chr13-103328639-A-G.
Other names: c.3667-7A>G (NM_001367947.1); c.3541-7A>G (NM_003291.4, NM_003291.3).
Identifiers: ClinVar variation 752619 (VCV000752619.10), dbSNP rs752429398, ClinGen allele CA7038320.